The following is an entry in ClinVar:

ClinVar aggregate classification (germline): Uncertain significance (1 of 4 stars; one submission).

Allele frequency attached by ClinVar (database versions not stated): gnomAD exomes below 0.00001.
gnomAD v4.1: 2 of 1,614,188 alleles (0.00012%); highest among the groups gnomAD compares: Non-Finnish European, 0.00017%; no homozygotes.

Submission:

CeGaT Center for Human Genetics Tuebingen
Classification: Uncertain significance. Last evaluated: 2023-07-01. Review status: criteria provided, single submitter. Criteria: CeGaT Center For Human Genetics Tuebingen Variant Classification Criteria Version 2. Collection method: clinical testing. Allele origin: germline. Affected: yes. Observed: 1 variant allele.
Comment: FZD4: PM2

NM_012193.4(FZD4):c.1505A>G (p.His502Arg)

Genes: FZD4 (frizzled class receptor 4; minus strand), PRSS23 (serine protease 23; plus strand). Cytogenetic location: 11q14.2.
Variant type: single nucleotide variant.
Coding change: c.1505A>G on transcript NM_012193.4 (MANE Select); coding-DNA position 1505, A replaced by G.
Protein change: p.His502Arg; replaces histidine 502 with arginine.
Molecular consequence: missense variant. On other transcripts: non-coding transcript variant (2).
Genome position (GRCh38, 1-based): chr11:86,951,251, T>C on the plus strand (A>G on the coding strand, the complement: FZD4 is on the minus strand). VCF-style: chr11-86951251-T-C. GRCh37 (hg19) VCF-style: chr11-86662293-T-C.
Other names: short protein forms H502R.
Identifiers: ClinVar variation 2642257 (VCV002642257.24), dbSNP rs1949288463, ClinGen allele CA382011030.